The following is an entry in ClinVar:

NM_014141.6(CNTNAP2):c.3174C>G (p.Thr1058=)

Gene: CNTNAP2 (contactin associated protein 2; plus strand). Cytogenetic location: 7q36.1.
Variant type: single nucleotide variant.
Coding change: c.3174C>G on transcript NM_014141.6 (MANE Select); coding-DNA position 3174, C replaced by G.
Protein change: p.Thr1058=; no amino-acid change (threonine 1058 retained).
Molecular consequence: synonymous variant.
Genome position (GRCh38, 1-based): chr7:148,217,451, C>G. VCF-style: chr7-148217451-C-G. GRCh37 (hg19) VCF-style: chr7-147914543-C-G.
Other names: p.T1058T:ACC>ACG.
Identifiers: ClinVar variation 136823 (VCV000136823.43), dbSNP rs143226012, ClinGen allele CA290181.

ClinVar aggregate classification (germline): Conflicting classifications of pathogenicity. Review status: criteria provided, conflicting classifications (1 of 4 stars). 6 submissions from 6 submitters: Uncertain significance (1); Benign (1); Likely benign (4). Last evaluated 2026-07-01.

Conditions:
Inborn genetic diseases. Identifiers: MedGen C0950123, MeSH D030342.
Cortical dysplasia-focal epilepsy syndrome (PTHSL1). Also called: Pitt-Hopkins-like syndrome 1. Identifiers: Orphanet 163681, Orphanet 221150, MedGen C2750246, MONDO:0012400, OMIM 610042.

Allele frequency attached by ClinVar (database versions not stated): ExAC 0.00018; gnomAD exomes 0.00022 and 0.00045; gnomAD 0.00026; TOPMed 0.00034; ESP Exome Variant Server 0.00046.
gnomAD v4.1: 689 of 1,614,194 alleles (0.043%); highest among the groups gnomAD compares: Non-Finnish European, 0.054%; no homozygotes.

Submissions (6):

CeGaT Center for Human Genetics Tuebingen
Classification: Likely benign. Last evaluated: 2026-07-01. Review status: criteria provided, single submitter. Criteria: CeGaT Center For Human Genetics Tuebingen Variant Classification Criteria Version 2. Collection method: clinical testing. Allele origin: germline. Affected: yes. Observed: 2 variant alleles.
Comment: CNTNAP2: BP4

Labcorp Genetics (formerly Invitae), Labcorp
Classification: Likely benign for Cortical dysplasia-focal epilepsy syndrome. Last evaluated: 2026-01-28. Review status: criteria provided, single submitter. Criteria: Invitae Variant Classification Sherloc (09022015). Collection method: clinical testing. Allele origin: germline.

Blueprint Genetics
Classification: Likely benign. Last evaluated: 2024-11-08. Review status: criteria provided, single submitter. Criteria: ACMG Guidelines, 2015. Collection method: clinical testing. Allele origin: germline.

Ambry Genetics
Classification: Likely benign for Inborn genetic diseases. Last evaluated: 2018-06-12. Review status: criteria provided, single submitter. Criteria: Ambry Variant Classification Scheme 2023. Collection method: clinical testing. Allele origin: germline.

Illumina Laboratory Services, Illumina
Classification: Uncertain significance for Cortical dysplasia-focal epilepsy syndrome. Last evaluated: 2018-01-12. Review status: criteria provided, single submitter. Criteria: ICSL Variant Classification Criteria 13 December 2019. Collection method: clinical testing. Allele origin: germline.

GeneDx
Classification: Benign. Last evaluated: 2013-11-05. Review status: criteria provided, single submitter. Criteria: GeneDx Variant Classification (06012015). Collection method: clinical testing. Allele origin: germline. Affected: yes.
Comment: This variant is considered likely benign or benign based on one or more of the following criteria: it is a conservative change, it occurs at a poorly conserved position in the protein, it is predicted to be benign by multiple in silico algorithms, and/or has population frequency not consistent with disease.